The following is an entry in ClinVar:

ClinVar aggregate classification (germline): Uncertain significance (1 of 4 stars; one submission).

Allele frequency attached by ClinVar (database versions not stated): gnomAD exomes below 0.00001.
gnomAD v4.1: 2 of 1,613,920 alleles (0.00012%); highest among the groups gnomAD compares: East Asian, 0.0045%; no homozygotes.

Submission:

Labcorp Genetics (formerly Invitae), Labcorp
Classification: Uncertain significance. Last evaluated: 2022-03-27. Review status: criteria provided, single submitter. Criteria: Invitae Variant Classification Sherloc (09022015). Collection method: clinical testing. Allele origin: germline.
Comment: In summary, the available evidence is currently insufficient to determine the role of this variant in disease. Therefore, it has been classified as a Variant of Uncertain Significance. Algorithms developed to predict the effect of missense changes on protein structure and function output the following: SIFT: "Tolerated"; PolyPhen-2: "Benign"; Align-GVGD: "Class C0". The leucine amino acid residue is found in multiple mammalian species, which suggests that this missense change does not adversely affect protein function. This variant has not been reported in the literature in individuals affected with C8A-related conditions. This variant is not present in population databases (gnomAD no frequency). This sequence change replaces proline, which is neutral and non-polar, with leucine, which is neutral and non-polar, at codon 256 of the C8A protein (p.Pro256Leu).

NM_000562.3(C8A):c.767C>T (p.Pro256Leu)

Gene: C8A (complement C8 alpha chain; plus strand). Cytogenetic location: 1p32.2.
Variant type: single nucleotide variant.
Coding change: c.767C>T on transcript NM_000562.3 (MANE Select); coding-DNA position 767, C replaced by T.
Protein change: p.Pro256Leu; replaces proline 256 with leucine.
Molecular consequence: missense variant.
Genome position (GRCh38, 1-based): chr1:56,883,593, C>T. VCF-style: chr1-56883593-C-T. GRCh37 (hg19) VCF-style: chr1-57349266-C-T.
Other names: short protein forms P256L.
Identifiers: ClinVar variation 1970664 (VCV001970664.5), dbSNP rs1448396469, ClinGen allele CA340515956.